The following is an entry in ClinVar:

NM_000051.4(ATM):c.8671G>C (p.Gly2891Arg)

Genes: ATM (ATM serine/threonine kinase; plus strand), C11orf65 (chromosome 11 open reading frame 65; minus strand). Cytogenetic location: 11q22.3.
Variant type: single nucleotide variant.
Coding change: c.8671G>C on transcript NM_000051.4 (MANE Select); coding-DNA position 8671, G replaced by C.
Protein change: p.Gly2891Arg; replaces glycine 2891 with arginine.
Molecular consequence: missense variant. On other transcripts: intron variant (2).
Genome position (GRCh38, 1-based): chr11:108,347,365, G>C. VCF-style: chr11-108347365-G-C. GRCh37 (hg19) VCF-style: chr11-108218092-G-C.
Other names: c.8671G>C, p.Gly2891Arg (NM_001351834.2); c.641-38294C>G (NM_001330368.2); c.695-12073C>G (NM_001351110.2); short protein forms G2891R.
Identifiers: ClinVar variation 1350562 (VCV001350562.11), dbSNP rs1565567541, ClinGen allele CA382521339.

ClinVar aggregate classification (germline): Conflicting classifications of pathogenicity. Review status: criteria provided, conflicting classifications (1 of 4 stars). 4 submissions from 4 submitters: Likely pathogenic (1); Uncertain significance (3). Last evaluated 2026-08-21.

Conditions:
Hereditary cancer-predisposing syndrome. Also called: Tumor predisposition; Neoplastic Syndromes, Hereditary; Hereditary Cancer Syndrome; Hereditary neoplastic syndrome. Identifiers: Orphanet 140162, MedGen C0027672, MeSH D009386, MONDO:0015356.
Familial cancer of breast. Also called: BREAST CANCER, FAMILIAL; Hereditary breast cancer; hereditary breast carcinoma. Identifiers: Orphanet 227535, MedGen C0346153, MONDO:0016419, OMIM 114480. Disease mechanism: loss of function.
Ataxia-telangiectasia syndrome (AT). Also called: Ataxia-telangiectasia; LOUIS-BAR SYNDROME; Ataxia-telangiectasia, complementation group D; AT, COMPLEMENTATION GROUP C; ATAXIA-TELANGIECTASIA, COMPLEMENTATION GROUP A; ATAXIA-TELANGIECTASIA, FRESNO VARIANT. Identifiers: Orphanet 100, MedGen C0004135, MONDO:0008840, OMIM 208900.

Allele frequency attached by ClinVar (database versions not stated): gnomAD exomes below 0.00001.
gnomAD v4.1: 1 of 1,583,310 alleles (0.000063%); highest among the groups gnomAD compares: Non-Finnish European, 0.000087%; no homozygotes.

Submissions (4):

Myriad Genetics, Inc.
Classification: Likely pathogenic for Familial cancer of breast. Last evaluated: 2026-08-21. Review status: criteria provided, single submitter. Criteria: Myriad Autosomal Dominant, Autosomal Recessive and X-Linked Classification Criteria (2023). Collection method: clinical testing. Allele origin: unknown.
Comment: This variant is considered likely pathogenic. This variant has been reported in an individual with clinical features of gene-specific disease [PMID: 41715124]. Functional studies indicate this variant impacts protein function [PMID: 40580951]. This variant is expected to disrupt protein structure [Myriad internal data].

Ambry Genetics
Classification: Uncertain significance for Hereditary cancer-predisposing syndrome. Last evaluated: 2025-08-18. Review status: criteria provided, single submitter. Criteria: Ambry Variant Classification Scheme 2023. Collection method: clinical testing. Allele origin: germline.
Comment: The c.8671G>C variant (also known as p.G2891R), located in coding exon 58 of the ATM gene, results from a G to C substitution at nucleotide position 8671. The amino acid change results in glycine to arginine at codon 2891, an amino acid with dissimilar properties. However, this change occurs in the last base pair of coding exon 58, which makes it likely to have some effect on normal mRNA splicing. In silico splice site analysis predicts that this alteration will not have any significant effect on splicing; however, direct evidence is insufficient at this time (Ambry internal data). This amino acid position is highly conserved in available vertebrate species. In addition, this alteration is predicted to be deleterious by in silico analysis. Since supporting evidence is limited at this time, the clinical significance of this alteration remains unclear.

Women's Health and Genetics/Laboratory Corporation of America, LabCorp
Classification: Uncertain significance. Last evaluated: 2022-08-09. Review status: criteria provided, single submitter. Criteria: LabCorp Variant Classification Summary - May 2015. Collection method: clinical testing. Allele origin: germline.
Comment: Variant summary: ATM c.8671G>C (p.Gly2891Arg) results in a non-conservative amino acid change located in the Phosphatidylinositol 3-/4-kinase, catalytic domain (IPR000403) of the encoded protein sequence. Five of five in-silico tools predict a damaging effect of the variant on protein function. 3/4 computational tools predict no significant impact on normal splicing. One predicts the variant abolishes the canonical 5 splicing donor site. However, these predictions have yet to be confirmed by functional studies. The variant was absent in 249904 control chromosomes (gnomAD). The available data on variant occurrences in the general population are insufficient to allow any conclusion about variant significance. To our knowledge, no occurrence of c.8671G>C in individuals affected with Prostate Cancer and no experimental evidence demonstrating its impact on protein function have been reported. One clinical diagnostic laboratory has submitted clinical-significance assessments for this variant to ClinVar after 2014 and classified the variant as uncertain significance. Based on the evidence outlined above, the variant was classified as uncertain significance.

Labcorp Genetics (formerly Invitae), Labcorp
Classification: Uncertain significance for Ataxia-telangiectasia syndrome. Last evaluated: 2021-10-23. Review status: criteria provided, single submitter. Criteria: Invitae Variant Classification Sherloc (09022015). Collection method: clinical testing. Allele origin: germline.
Comment: This sequence change replaces glycine, which is neutral and non-polar, with arginine, which is basic and polar, at codon 2891 of the ATM protein (p.Gly2891Arg). This variant also falls at the last nucleotide of exon 59, which is part of the consensus splice site for this exon. This variant is not present in population databases (gnomAD no frequency). This variant has not been reported in the literature in individuals affected with ATM-related conditions. Algorithms developed to predict the effect of missense changes on protein structure and function (SIFT, PolyPhen-2, Align-GVGD) all suggest that this variant is likely to be disruptive. Variants that disrupt the consensus splice site are a relatively common cause of aberrant splicing (PMID: 17576681, 9536098). In summary, the available evidence is currently insufficient to determine the role of this variant in disease. Therefore, it has been classified as a Variant of Uncertain Significance.

Literature cited by the submitters: PubMed 41715124 (cited by Myriad Genetics, Inc.); PubMed 40580951 (cited by Myriad Genetics, Inc.); PubMed 24825865 (cited by Ambry Genetics); PubMed 17576681 (cited by Labcorp Genetics (formerly Invitae), Labcorp); PubMed 9536098 (cited by Labcorp Genetics (formerly Invitae), Labcorp).